The following is an entry in ClinVar:

ClinVar aggregate classification (germline): Uncertain significance. Review status: criteria provided, multiple submitters, no conflicts (2 of 4 stars). 3 submissions from 3 submitters: Uncertain significance (3). Last evaluated 2023-03-07.

Conditions:
Epidermolysis bullosa simplex 5C, with pyloric atresia (EBS5C). Also called: Epidermolysis bullosa simplex with pyloric atresia; PLEC1-Related Epidermolysis Bullosa with Pyloric Atresia; PLEC-Related Epidermolysis Bullosa with Pyloric Atresia. Identifiers: Orphanet 158684, MedGen C2677349, MONDO:0012807, OMIM 612138.
Autosomal recessive limb-girdle muscular dystrophy type 2Q (LGMDR17). Also called: MUSCULAR DYSTROPHY, LIMB-GIRDLE, AUTOSOMAL RECESSIVE 17. Identifiers: Orphanet 254361, MedGen C3150989, MONDO:0013390, OMIM 613723.
Epidermolysis bullosa simplex 5B, with muscular dystrophy (EBS5B). Also called: Epidermolysis bullosa simplex with muscular dystrophy; EPIDERMOLYSIS BULLOSA SIMPLEX AND LIMB-GIRDLE MUSCULAR DYSTROPHY. Identifiers: Orphanet 257, MedGen C2931072, MONDO:0009181, OMIM 226670.
Epidermolysis bullosa simplex with nail dystrophy (EBS5D). Identifiers: MedGen C4225309, MONDO:0014661, OMIM 616487.
Epidermolysis bullosa simplex, Ogna type (EBS5A). Also called: EPIDERMOLYSIS BULLOSA SIMPLEX 5A, OGNA TYPE; Pidermolysis bullosa simplex 5A, Ogna type. Identifiers: Orphanet 79401, MedGen C0432317, MONDO:0007555, OMIM 131950.

Allele frequency attached by ClinVar (database versions not stated): gnomAD exomes below 0.00001; TOPMed 0.00001.
gnomAD v4.1: 5 of 1,612,470 alleles (0.00031%); highest among the groups gnomAD compares: Non-Finnish European, 0.00042%; no homozygotes.

Submissions (3):

Labcorp Genetics (formerly Invitae), Labcorp
Classification: Uncertain significance for Autosomal recessive limb-girdle muscular dystrophy type 2Q; Epidermolysis bullosa simplex, Ogna type; Epidermolysis bullosa simplex with nail dystrophy; Epidermolysis bullosa simplex 5C, with pyloric atresia; Epidermolysis bullosa simplex 5B, with muscular dystrophy. Last evaluated: 2023-03-07. Review status: criteria provided, single submitter. Criteria: Invitae Variant Classification Sherloc (09022015). Collection method: clinical testing. Allele origin: germline.
Comment: This sequence change replaces alanine, which is neutral and non-polar, with valine, which is neutral and non-polar, at codon 4341 of the PLEC protein (p.Ala4341Val). This variant is present in population databases (no rsID available, gnomAD 0.0009%). This variant has not been reported in the literature in individuals affected with PLEC-related conditions. ClinVar contains an entry for this variant (Variation ID: 374565). Advanced modeling of protein sequence and biophysical properties (such as structural, functional, and spatial information, amino acid conservation, physicochemical variation, residue mobility, and thermodynamic stability) performed at Invitae indicates that this missense variant is not expected to disrupt PLEC protein function. In summary, the available evidence is currently insufficient to determine the role of this variant in disease. Therefore, it has been classified as a Variant of Uncertain Significance.

GeneDx
Classification: Uncertain significance. Last evaluated: 2017-04-07. Review status: criteria provided, single submitter. Criteria: GeneDx Variant Classification (06012015). Collection method: clinical testing. Allele origin: germline. Affected: yes.
Comment: The A4341V variant has not been published as a pathogenic variant, nor has it been reported as a benign variant to our knowledge. The A4341V variant is not observed in large population cohorts (Lek et al., 2016; 1000 Genomes Consortium et al., 2015; Exome Variant Server). This variant is a conservative amino acid substitution, which is not likely to impact secondary protein structure as these residues share similar properties. However, this substitution occurs at a position that is conserved in mammals, and in silico analysis predicts this variant is probably damaging to the protein structure/function.

CeGaT Center for Human Genetics Tuebingen
Classification: Uncertain significance. Last evaluated: 2016-08-01. Review status: criteria provided, single submitter. Criteria: CeGaT Center For Human Genetics Tuebingen Variant Classification Criteria Version 2. Collection method: clinical testing. Allele origin: germline. Affected: yes. Observed: 1 variant allele.

NM_201384.3(PLEC):c.12941C>T (p.Ala4314Val)

Gene: PLEC (plectin; minus strand). Cytogenetic location: 8q24.3.
Variant type: single nucleotide variant.
Coding change: c.12941C>T on transcript NM_201384.3 (MANE Select); coding-DNA position 12941, C replaced by T.
Protein change: p.Ala4314Val; replaces alanine 4314 with valine.
Molecular consequence: missense variant.
Genome position (GRCh38, 1-based): chr8:143,916,880, G>A on the plus strand (C>T on the coding strand, the complement: PLEC is on the minus strand). VCF-style: chr8-143916880-G-A. GRCh37 (hg19) VCF-style: chr8-144991048-G-A.
Other names: c.13022C>T, p.Ala4341Val (NM_000445.5); c.12899C>T, p.Ala4300Val (NM_201378.4); c.12875C>T, p.Ala4292Val (NM_201379.3); c.13352C>T, p.Ala4451Val (NM_201380.4); c.12845C>T, p.Ala4282Val (NM_201381.3); c.12941C>T, p.Ala4314Val (NM_201382.4); c.12953C>T, p.Ala4318Val (NM_201383.3); short protein forms A4282V, A4292V, A4300V, A4314V, A4318V, A4341V, A4451V.
Identifiers: ClinVar variation 374565 (VCV000374565.47), dbSNP rs1057519154, ClinGen allele CA16043796.
Genomic context (GRCh38, chr8:143,916,880, plus strand): 5'-TCGGTGACAGGGAAGCGCTCACCGGTGCTGGGGTCGATGATGCCCCCGGTGCAGGCCTGC[G>A]CCTCCAGCAGCCGCTGCCCCGTGATGTTATCCACCAGGTTCCGGTGCATGGCCTCGGTGA-3'
Protein context (NP_958786.1, residues 4304-4324): DNITGQRLLE[Ala4314Val]QACTGGIIDP